The following is an entry in ClinVar:

NM_001142800.2(EYS):c.4526A>G (p.Asn1509Ser)

Gene: EYS (EGF-like photoreceptor maintenance factor; minus strand). Cytogenetic location: 6q12.
Variant type: single nucleotide variant.
Coding change: c.4526A>G on transcript NM_001142800.2 (MANE Select); coding-DNA position 4526, A replaced by G.
Protein change: p.Asn1509Ser; replaces asparagine 1509 with serine.
Molecular consequence: missense variant.
Genome position (GRCh38, 1-based): chr6:64,591,341, T>C on the plus strand (A>G on the coding strand, the complement: EYS is on the minus strand). VCF-style: chr6-64591341-T-C. GRCh37 (hg19) VCF-style: chr6-65301234-T-C.
Other names: c.4526A>G, p.Asn1509Ser (NM_001292009.2); c.4526A>G (NM_001142800.1); short protein forms N1509S.
Identifiers: ClinVar variation 1433199 (VCV001433199.8), dbSNP rs531187735, ClinGen allele CA3877073.

ClinVar aggregate classification (germline): Uncertain significance. Review status: criteria provided, multiple submitters, no conflicts (2 of 4 stars). 4 submissions from 4 submitters: Uncertain significance (4). Last evaluated 2026-03-19.

Conditions:
Inborn genetic diseases. Identifiers: MedGen C0950123, MeSH D030342.
Retinitis pigmentosa 25 (RP25). Identifiers: Orphanet 791, MedGen C1864446, MONDO:0011272, OMIM 602772.
EYS-related disorder. Also called: EYS-related condition.

Allele frequency attached by ClinVar (database versions not stated): gnomAD 0.00002 and 0.00005; TOPMed 0.00002; gnomAD exomes 0.00005 and 0.00013; ExAC 0.00015.
gnomAD v4.1: 71 of 1,551,130 alleles (0.0046%); highest among the groups gnomAD compares: South Asian, 0.077%; no homozygotes.

Submissions (4):

Ambry Genetics
Classification: Uncertain significance for Inborn genetic diseases. Last evaluated: 2026-03-19. Review status: criteria provided, single submitter. Criteria: Ambry Variant Classification Scheme 2023. Collection method: clinical testing. Allele origin: germline.

PreventionGenetics, part of Exact Sciences
Classification: Uncertain significance for EYS-related condition. Last evaluated: 2026-01-27. Review status: criteria provided, single submitter. Criteria: ACMG Guidelines, 2015. Collection method: clinical testing. Allele origin: germline.
Comment: The EYS c.4526A>G variant is predicted to result in the amino acid substitution p.Asn1509Ser. To our knowledge, this variant has not been reported in the literature. This variant is reported in 0.088% of alleles in individuals of South Asian descent in gnomAD. At this time, the clinical significance of this variant is uncertain due to the absence of conclusive functional and genetic evidence.

Labcorp Genetics (formerly Invitae), Labcorp
Classification: Uncertain significance. Last evaluated: 2022-07-23. Review status: criteria provided, single submitter. Criteria: Invitae Variant Classification Sherloc (09022015). Collection method: clinical testing. Allele origin: germline.
Comment: This sequence change replaces asparagine, which is neutral and polar, with serine, which is neutral and polar, at codon 1509 of the EYS protein (p.Asn1509Ser). This variant is present in population databases (rs531187735, gnomAD 0.09%). This variant has not been reported in the literature in individuals affected with EYS-related conditions. ClinVar contains an entry for this variant (Variation ID: 1433199). Algorithms developed to predict the effect of missense changes on protein structure and function output the following: SIFT: "Tolerated"; PolyPhen-2: "Possibly Damaging"; Align-GVGD: "Class C0". The serine amino acid residue is found in multiple mammalian species, which suggests that this missense change does not adversely affect protein function. In summary, the available evidence is currently insufficient to determine the role of this variant in disease. Therefore, it has been classified as a Variant of Uncertain Significance.

Department of Pathology and Laboratory Medicine, Sinai Health System
Classification: Uncertain significance for Retinitis pigmentosa 25. Last evaluated: 2022-07-22. Review status: criteria provided, single submitter. Criteria: ACMG Guidelines, 2015. Collection method: research. Allele origin: germline.